The following is an entry in ClinVar:

NM_000836.4(GRIN2D):c.3160A>G (p.Ser1054Gly)

Gene: GRIN2D (glutamate ionotropic receptor NMDA type subunit 2D; plus strand). Cytogenetic location: 19q13.33.
Variant type: single nucleotide variant.
Coding change: c.3160A>G on transcript NM_000836.4 (MANE Select); coding-DNA position 3160, A replaced by G.
Protein change: p.Ser1054Gly; replaces serine 1054 with glycine.
Molecular consequence: missense variant.
Genome position (GRCh38, 1-based): chr19:48,443,086, A>G. VCF-style: chr19-48443086-A-G. GRCh37 (hg19) VCF-style: chr19-48946343-A-G.
Other names: short protein forms S1054G.
Identifiers: ClinVar variation 1463884 (VCV001463884.8), dbSNP rs2147476834, ClinGen allele CA406675004.

ClinVar aggregate classification (germline): Uncertain significance (1 of 4 stars; one submission).

Submission:

Labcorp Genetics (formerly Invitae), Labcorp
Classification: Uncertain significance. Last evaluated: 2020-12-05. Review status: criteria provided, single submitter. Criteria: Invitae Variant Classification Sherloc (09022015). Collection method: clinical testing. Allele origin: germline.
Comment: This variant has not been reported in the literature in individuals with GRIN2D-related conditions. The frequency data for this variant in the population databases is considered unreliable, as metrics indicate insufficient coverage at this position in the ExAC database. This sequence change replaces serine with glycine at codon 1054 of the GRIN2D protein (p.Ser1054Gly). The serine residue is weakly conserved and there is a small physicochemical difference between serine and glycine. In summary, the available evidence is currently insufficient to determine the role of this variant in disease. Therefore, it has been classified as a Variant of Uncertain Significance. Advanced modeling of protein sequence and biophysical properties (such as structural, functional, and spatial information, amino acid conservation, physicochemical variation, residue mobility, and thermodynamic stability) performed at Invitae indicates that this missense variant is not expected to disrupt GRIN2D protein function.